The following is an entry in ClinVar:

ClinVar aggregate classification (germline): Pathogenic (1 of 4 stars; one submission).

Conditions:
5p partial monosomy syndrome. Also called: CAT CRY SYNDROME; CHROMOSOME 5p DELETION SYNDROME; 5p- syndrome; 5p deletion syndrome; Cri du Chat Syndrome. Identifiers: Orphanet 281, MedGen C0010314, MONDO:0007404, OMIM 123450.

Submission:

Broad Center for Mendelian Genomics, Broad Institute of MIT and Harvard
Classification: Pathogenic for 5p partial monosomy syndrome. Last evaluated: 2023-05-01. Review status: criteria provided, single submitter. Criteria: ACMG/ClinGen CNV Guidelines, 2019. Collection method: research. Allele origin: germline. Inheritance: Autosomal dominant inheritance. Affected: yes.
Comment: A confirmed de novo heterozygous deletion of 5p15.33-p15.1 ([GRCh38] chr5:113154_18049970x1) encompassing 56 genes was identified by exome sequencing of two individuals with global developmental delay, delayed social development, and delayed speech and language development via a collaborative study between the Broad Institute's Center for Mendelian Genomics and the NeuroDev Study. These breakpoints have been called by exome sequencing only and therefore may not reflect the true breakpoints. The patient phenotypes are nonspecific, but are consistent with cases described in the literature and/or published databases with overlapping variants. There is complete overlap with the 5p15 terminal (Cri du chat syndrome) region and the TRIO gene which are known to be haploinsufficient and have been assessed by the ClinGen Dosage Sensitivity Working Group. Data from large population studies are insufficient to assess the frequency of this variant. In summary, this variant meets criteria to be classified as pathogenic for autosomal dominant cri-du-chat syndrome. The ACMG/ClinGen evidence codes and points used in this curation are as follows: 1: 0 points, 2: 1 points, 3: 0.9 points, 4-5: 0.3 points; Total: 2.2 points; Riggs 2020 (PMID: 31690835).

Single allele

Genes: MNS16A (MNS16A minisatellite promoter; plus strand), MRPL36 (mitochondrial ribosomal protein L36; minus strand), PDCD6-AHRR (PDCD6-AHRR readthrough (NMD candidate); plus strand), OTULIN (OTU deubiquitinase with linear linkage specificity; plus strand), OTULIN-DT (OTULIN divergent transcript; minus strand) and 509 more. Cytogenetic location: 5p15.33-15.1.
Variant type: Deletion.
Identifiers: ClinVar variation 4819212 (VCV004819212.1).